The following is an entry in ClinVar:

ClinVar aggregate classification (germline): Uncertain significance (1 of 4 stars; one submission).

Submission:

Ambry Genetics
Classification: Uncertain significance. Last evaluated: 2024-04-05. Review status: criteria provided, single submitter. Criteria: Ambry Variant Classification Scheme 2023. Collection method: clinical testing. Allele origin: germline.
Comment: The p.S71R variant (also known as c.211A>C), located in coding exon 2 of the RRAS gene, results from an A to C substitution at nucleotide position 211. The serine at codon 71 is replaced by arginine, an amino acid with dissimilar properties. This amino acid position is conserved. In addition, this alteration is predicted to be tolerated by in silico analysis. Based on the available evidence, the clinical significance of this variant remains unclear.

NM_006270.5(RRAS):c.211A>C (p.Ser71Arg)

Gene: RRAS (RAS related; minus strand). Cytogenetic location: 19q13.33.
Variant type: single nucleotide variant.
Coding change: c.211A>C on transcript NM_006270.5 (MANE Select); coding-DNA position 211, A replaced by C.
Protein change: p.Ser71Arg; replaces serine 71 with arginine.
Molecular consequence: missense variant.
Genome position (GRCh38, 1-based): chr19:49,637,073, T>G on the plus strand (A>C on the coding strand, the complement: RRAS is on the minus strand). VCF-style: chr19-49637073-T-G. GRCh37 (hg19) VCF-style: chr19-50140330-T-G.
Other names: short protein forms S71R.
Identifiers: ClinVar variation 3315389 (VCV003315389.1).